The following is an entry in ClinVar:

ClinVar aggregate classification (germline): Uncertain significance (1 of 4 stars; one submission).

Conditions:
Inborn genetic diseases. Identifiers: MedGen C0950123, MeSH D030342.

Submission:

Ambry Genetics
Classification: Uncertain significance for Inborn genetic diseases. Last evaluated: 2026-01-06. Review status: criteria provided, single submitter. Criteria: Ambry Variant Classification Scheme 2023. Collection method: clinical testing. Allele origin: germline.
Comment: The p.E371K variant (also known as c.1111G>A), located in coding exon 1 of the SAMD9 gene, results from a G to A substitution at nucleotide position 1111. The glutamic acid at codon 371 is replaced by lysine, an amino acid with similar properties. This amino acid position is conserved. In addition, this alteration is predicted to be tolerated by in silico analysis. Based on the available evidence, the clinical significance of this variant remains unclear.

NM_017654.4(SAMD9):c.1111G>A (p.Glu371Lys)

Gene: SAMD9 (sterile alpha motif domain containing 9; minus strand). Cytogenetic location: 7q21.2.
Variant type: single nucleotide variant.
Coding change: c.1111G>A on transcript NM_017654.4 (MANE Select); coding-DNA position 1111, G replaced by A.
Protein change: p.Glu371Lys; replaces glutamic acid 371 with lysine.
Molecular consequence: missense variant.
Genome position (GRCh38, 1-based): chr7:93,104,987, C>T on the plus strand (G>A on the coding strand, the complement: SAMD9 is on the minus strand). VCF-style: chr7-93104987-C-T. GRCh37 (hg19) VCF-style: chr7-92734300-C-T.
Other names: c.1111G>A, p.Glu371Lys (NM_001193307.2); short protein forms E371K.
Identifiers: ClinVar variation 4843134 (VCV004843134.1).